The following is an entry in ClinVar:

NM_001048166.1(STIL):c.384dup (p.His129fs)

Gene: STIL (STIL centriolar assembly protein; minus strand). Cytogenetic location: 1p33.
Variant type: Duplication.
Coding change: c.384dup on transcript NM_001048166.1 (MANE Select); coding-DNA position 384, one base duplicated (T; older notation c.384dupT).
Protein change: p.His129fs; shifts the reading frame from histidine 129.
Molecular consequence: frameshift variant.
Genome position (GRCh38, 1-based): chr1:47,301,630, A duplicated on the plus strand (T on the coding strand, the reverse complement: STIL is on the minus strand); the first of 2 consecutive A bases (chr1:47,301,630-47,301,631); duplicating either gives the same sequence. VCF-style (leftmost placement, unchanged base first): chr1-47301629-G-GA. GRCh37 (hg19) VCF-style: chr1-47767301-G-GA.
Other names: c.384dup, p.His129fs (NM_001282936.1, NM_001282937.1, NM_001282938.1 and 3 more transcripts); c.384dupT (NM_001048166.1); short protein forms H129fs.
Identifiers: ClinVar variation 1683274 (VCV001683274.1), dbSNP rs2149199098, ClinGen allele CA2573132431.
Genomic context (GRCh38, chr1:47,301,629, plus strand): 5'-CTGAACTGAAGTCATCTACACTGTGAACTATCATTTCTCTTGAACAAAGTTCTTGAGTAT[G>GA]AACTTTGCATGGAATCAAAAAGTCCCCAGGAAGAGAAGCAGTAGGGGTTATTTCTAGGCA-3'

ClinVar aggregate classification (germline): Likely pathogenic (1 of 4 stars; one submission).

Conditions:
Microcephaly 7, primary, autosomal recessive. Identifiers: Orphanet 2512, MedGen C2675187, MONDO:0012989, OMIM 612703.

Submission:

Women's Health and Genetics/Laboratory Corporation of America, LabCorp
Classification: Likely pathogenic for Microcephaly 7, primary, autosomal recessive. Last evaluated: 2022-04-28. Review status: criteria provided, single submitter. Criteria: LabCorp Variant Classification Summary - May 2015. Collection method: clinical testing. Allele origin: germline.
Comment: Variant summary: STIL c.384dupT (p.His129SerfsX17) results in a premature termination codon, predicted to cause a truncation of the encoded protein or absence of the protein due to nonsense mediated decay, which are commonly known mechanisms for disease. Truncations downstream of this position have been classified as pathogenic by our laboratory. The variant was absent in 251238 control chromosomes. To our knowledge, no occurrence of c.384dupT in individuals affected with Microcephaly 7, Primary, Autosomal Recessive and no experimental evidence demonstrating its impact on protein function have been reported. No clinical diagnostic laboratories have submitted clinical-significance assessments for this variant to ClinVar after 2014. Based on the evidence outlined above, the variant was classified as likely pathogenic.